The following is an entry in ClinVar:

ClinVar aggregate classification (germline): Uncertain significance (1 of 4 stars; one submission).

Conditions:
Developmental and epileptic encephalopathy 94 (DEE94). Also called: Epileptic encephalopathy, childhood-onset; CHD2-Related Neurodevelopmental Disorders. Identifiers: Orphanet 1942, Orphanet 2382, MedGen C3809278, MONDO:0014150, OMIM 615369.

Allele frequency attached by ClinVar (database versions not stated): TOPMed 0.00001; gnomAD 0.00003.
gnomAD v4.1: 2 of 1,614,154 alleles (0.00012%); highest among the groups gnomAD compares: African/African-American, 0.0027%; no homozygotes.

Submission:

Labcorp Genetics (formerly Invitae), Labcorp
Classification: Uncertain significance for Developmental and epileptic encephalopathy 94. Last evaluated: 2025-07-22. Review status: criteria provided, single submitter. Criteria: Invitae Variant Classification Sherloc (09022015). Collection method: clinical testing. Allele origin: germline.
Comment: This sequence change replaces alanine, which is neutral and non-polar, with serine, which is neutral and polar, at codon 1750 of the CHD2 protein (p.Ala1750Ser). This variant is present in population databases (no rsID available, gnomAD 0.01%). This variant has not been reported in the literature in individuals affected with CHD2-related conditions. ClinVar contains an entry for this variant (Variation ID: 650622). Invitae Evidence Modeling of protein sequence and biophysical properties (such as structural, functional, and spatial information, amino acid conservation, physicochemical variation, residue mobility, and thermodynamic stability) indicates that this missense variant is not expected to disrupt CHD2 protein function with a negative predictive value of 95%. In summary, the available evidence is currently insufficient to determine the role of this variant in disease. Therefore, it has been classified as a Variant of Uncertain Significance.

NM_001271.4(CHD2):c.5248G>T (p.Ala1750Ser)

Gene: CHD2 (chromodomain helicase DNA binding protein 2; plus strand). Cytogenetic location: 15q26.1.
Variant type: single nucleotide variant.
Coding change: c.5248G>T on transcript NM_001271.4 (MANE Select); coding-DNA position 5248, G replaced by T.
Protein change: p.Ala1750Ser; replaces alanine 1750 with serine.
Molecular consequence: missense variant.
Genome position (GRCh38, 1-based): chr15:93,024,466, G>T. VCF-style: chr15-93024466-G-T. GRCh37 (hg19) VCF-style: chr15-93567696-G-T.
Other names: short protein forms A1750S.
Identifiers: ClinVar variation 650622 (VCV000650622.9), dbSNP rs753595749, ClinGen allele CA274889600.